The following is an entry in ClinVar:

NM_014000.3(VCL):c.2137G>T (p.Val713Leu)

Gene: VCL (vinculin; plus strand). Cytogenetic location: 10q22.2.
Variant type: single nucleotide variant.
Coding change: c.2137G>T on transcript NM_014000.3 (MANE Select); coding-DNA position 2137, G replaced by T.
Protein change: p.Val713Leu; replaces valine 713 with leucine.
Molecular consequence: missense variant.
Genome position (GRCh38, 1-based): chr10:74,105,056, G>T. VCF-style: chr10-74105056-G-T. GRCh37 (hg19) VCF-style: chr10-75864814-G-T.
Other names: c.2137G>T, p.Val713Leu (NM_003373.4); short protein forms V713L.
Identifiers: ClinVar variation 1015268 (VCV001015268.9), dbSNP rs374737519, ClinGen allele CA377261557.

ClinVar aggregate classification (germline): Uncertain significance. Review status: criteria provided, multiple submitters, no conflicts (2 of 4 stars). 2 submissions from 2 submitters: Uncertain significance (2). Last evaluated 2020-10-14.

Conditions:
Cardiovascular phenotype. Identifiers: MedGen CN230736.
Dilated cardiomyopathy 1W (CMD1W). Identifiers: Orphanet 154, MedGen C1969639, MONDO:0012667, OMIM 611407.

Submissions (2):

Ambry Genetics
Classification: Uncertain significance for Cardiovascular phenotype. Last evaluated: 2020-10-14. Review status: criteria provided, single submitter. Criteria: Ambry Variant Classification Scheme 2023. Collection method: clinical testing. Allele origin: germline.
Comment: The p.V713L variant (also known as c.2137G>T), located in coding exon 16 of the VCL gene, results from a G to T substitution at nucleotide position 2137. The valine at codon 713 is replaced by leucine, an amino acid with highly similar properties. This amino acid position is highly conserved in available vertebrate species. In addition, the in silico prediction for this alteration is inconclusive. Since supporting evidence is limited at this time, the clinical significance of this alteration remains unclear.

Labcorp Genetics (formerly Invitae), Labcorp
Classification: Uncertain significance for Dilated cardiomyopathy 1W. Last evaluated: 2020-10-06. Review status: criteria provided, single submitter. Criteria: Invitae Variant Classification Sherloc (09022015). Collection method: clinical testing. Allele origin: germline.
Comment: This sequence change replaces valine with leucine at codon 713 of the VCL protein (p.Val713Leu). The valine residue is highly conserved and there is a small physicochemical difference between valine and leucine. This variant is not present in population databases (ExAC no frequency). This variant has not been reported in the literature in individuals with VCL-related conditions. Algorithms developed to predict the effect of missense changes on protein structure and function are either unavailable or do not agree on the potential impact of this missense change (SIFT: "Not Available"; PolyPhen-2: "Probably Damaging"; Align-GVGD: "Not Available"). In summary, the available evidence is currently insufficient to determine the role of this variant in disease. Therefore, it has been classified as a Variant of Uncertain Significance.